The following is an entry in ClinVar:

NM_000138.5(FBN1):c.3896C>G (p.Thr1299Arg)

Gene: FBN1 (fibrillin 1; minus strand). Cytogenetic location: 15q21.1.
Variant type: single nucleotide variant.
Coding change: c.3896C>G on transcript NM_000138.5 (MANE Select); coding-DNA position 3896, C replaced by G.
Protein change: p.Thr1299Arg; replaces threonine 1299 with arginine.
Molecular consequence: missense variant.
Genome position (GRCh38, 1-based): chr15:48,481,723, G>C on the plus strand (C>G on the coding strand, the complement: FBN1 is on the minus strand). VCF-style: chr15-48481723-G-C. GRCh37 (hg19) VCF-style: chr15-48773920-G-C.
Other names: c.3896C>G, p.Thr1299Arg (NM_001406716.1); short protein forms T1299R.
Identifiers: ClinVar variation 4758149 (VCV004758149.2).

ClinVar aggregate classification (germline): Uncertain significance. Review status: criteria provided, multiple submitters, no conflicts (2 of 4 stars). 2 submissions from 2 submitters: Uncertain significance (2). Last evaluated 2025-10-12.

Conditions:
Familial thoracic aortic aneurysm and aortic dissection (TAAD). Also called: Thoracic aortic aneurysms and dissections. Identifiers: Orphanet 91387, MedGen C4707243, MONDO:0019625.

Submissions (2):

Color Diagnostics, LLC DBA Color Health
Classification: Uncertain significance for Familial thoracic aortic aneurysm and aortic dissection. Last evaluated: 2025-10-12. Review status: criteria provided, single submitter. Criteria: ACMG Guidelines, 2015. Collection method: clinical testing. Allele origin: germline.
Comment: This missense variant replaces threonine with arginine at codon 1299 of the FBN1 protein. Computational prediction suggests that this variant may have deleterious impact on protein structure and function. To our knowledge, functional studies have not been reported for this variant. This variant has not been reported in individuals affected with FBN1-related disorders in the literature. This variant has not been identified in the general population by the Genome Aggregation Database (gnomAD). The available evidence is insufficient to determine the role of this variant in disease conclusively. Therefore, this variant is classified as a Variant of Uncertain Significance.

Blueprint Genetics
Classification: Uncertain significance. Last evaluated: 2024-10-15. Review status: criteria provided, single submitter. Criteria: ACMG Guidelines, 2015. Collection method: clinical testing. Allele origin: germline.